The following continues an entry in ClinVar:

NM_000138.5(FBN1):c.3509G>A (p.Arg1170His)

Gene: FBN1. ClinVar aggregate classification (germline): Benign. Benign (1).

Submissions 29 to 37 of 37:

Center for Genomics, Ann and Robert H. Lurie Children's Hospital of Chicago
Classification: Uncertain significance for Acromicric dysplasia; Ectopia lentis 1, isolated, autosomal dominant; Geleophysic dysplasia 2; MASS syndrome; Progeroid and marfanoid aspect-lipodystrophy syndrome; Marfan syndrome; Stiff skin syndrome; Weill-Marchesani syndrome 2, dominant. Review status: criteria provided, single submitter. Criteria: ACMG Guidelines, 2015. Collection method: clinical testing. Allele origin: germline. Not counted in ClinVar's aggregate classification.
Comment: FBN1 NM_000138.4 exon 29 p.Arg1170His (c.3509G>A): This variant has been reported in at least four individuals with incomplete/suspected Marfan syndrome, segregating with suspected features in at least two different families (Hayward 1994 PMID:7870075, Montgomery 1998 PMID:9837823, Comeglio 2007 PMID:17657824, Stavropoulos 2016 PMID:28567303). Of note, these reported probands presented with primarily skeletal abnormalities; none fully met Ghent criteria for Marfan syndrome. Additionally, this variant did not segregate with disease in one family with suspected Marfan syndrome that was tested in our lab. This variant is present in 0.2% (286/129170) of European alleles in the Genome Aggregation Database and is present in ClinVar, with several labs classifying this variant as likely benign (Variation ID:16451). This variant amino acid Histidine (His) is present in several bird species and is not well conserved among evolutionarily distant species; this suggests that this variant may not impact the protein. Additional computational prediction tools do not suggest an impact. In summary, data on this variant is insufficient for disease classification. Therefore, the clinical significance of this variant is uncertain.

PreventionGenetics, part of Exact Sciences
Classification: Likely benign for FBN1-related condition. Last evaluated: 2020-03-06. Review status: no assertion criteria provided. Collection method: clinical testing. Allele origin: germline. Not counted in ClinVar's aggregate classification.
Comment: This variant is classified as likely benign based on ACMG/AMP sequence variant interpretation guidelines (Richards et al. 2015 PMID: 25741868, with internal and published modifications).

Center for Medical Genetics Ghent, University of Ghent
Classification: Likely benign for Marfan syndrome. Last evaluated: 2017-11-07. Review status: no assertion criteria provided. Collection method: clinical testing. Allele origin: germline. Affected: yes. Not counted in ClinVar's aggregate classification.

CSER _CC_NCGL, University of Washington
Classification: Uncertain significance for Marfan syndrome. Last evaluated: 2014-06-01. Review status: no assertion criteria provided. Collection method: research. Allele origin: germline. Inheritance: Autosomal dominant inheritance. Study: ESP 6500 variant annotation. Not counted in ClinVar's aggregate classification.
Comment: Variants classified for the Actionable exomic incidental findings in 6503 participants: challenges of variant classification manuscript

Clinical Genetics DNA and cytogenetics Diagnostics Lab, Erasmus MC, Erasmus Medical Center
Classification: Likely benign. Review status: no assertion criteria provided. Collection method: clinical testing. Allele origin: germline. Affected: yes. Study: VKGL Data-share Consensus. Not counted in ClinVar's aggregate classification.

Genome Diagnostics Laboratory, Amsterdam University Medical Center
Classification: Likely benign. Review status: no assertion criteria provided. Collection method: clinical testing. Allele origin: germline. Affected: yes. Study: VKGL Data-share Consensus. Not counted in ClinVar's aggregate classification.

Genome Diagnostics Laboratory, University Medical Center Utrecht
Classification: Likely benign. Review status: no assertion criteria provided. Collection method: clinical testing. Allele origin: germline. Affected: yes. Study: VKGL Data-share Consensus. Not counted in ClinVar's aggregate classification.

OMIM
Classification: Pathogenic for MASS SYNDROME. Last evaluated: 1998-12-01. Review status: flagged submission. Collection method: literature only. Allele origin: germline. Not counted in ClinVar's aggregate classification.
ClinVar note: Reason: Conflicts with expert reviewed submission without evidence to support different classification

Genomics England Pilot Project, Genomics England
Classification: Likely pathogenic for Marfan syndrome. Review status: flagged submission. Criteria: ACGS Guidelines, 2016. Collection method: clinical testing. Allele origin: germline. Affected: yes. Not counted in ClinVar's aggregate classification.
ClinVar note: Reason: Conflicts with expert reviewed submission without evidence to support different classification

Literature cited by the submitters: PubMed 21895641 (cited by 3 submitters); PubMed 26787436 (cited by Mayo Clinic Laboratories, Mayo Clinic and Women's Health and Genetics/Laboratory Corporation of America, LabCorp); PubMed 32123317 (cited by Mayo Clinic Laboratories, Mayo Clinic and Women's Health and Genetics/Laboratory Corporation of America, LabCorp); PubMed 11992479 (cited by Ambry Genetics); PubMed 17627385 (cited by 3 submitters); PubMed 7870075 (cited by 4 submitters); PubMed 9837823 (cited by 5 submitters); PubMed 10633129 (cited by Women's Health and Genetics/Laboratory Corporation of America, LabCorp); PubMed 17657824 (cited by 3 submitters); PubMed 17418587 (cited by 3 submitters); PubMed 8653794 (cited by Women's Health and Genetics/Laboratory Corporation of America, LabCorp); PubMed 24941995 (cited by Women's Health and Genetics/Laboratory Corporation of America, LabCorp and Eurofins Ntd Llc (ga)); PubMed 23577066 (cited by Women's Health and Genetics/Laboratory Corporation of America, LabCorp); PubMed 25852444 (cited by Women's Health and Genetics/Laboratory Corporation of America, LabCorp); PubMed 25812041 (cited by Women's Health and Genetics/Laboratory Corporation of America, LabCorp); PubMed 26875674 (cited by Women's Health and Genetics/Laboratory Corporation of America, LabCorp); PubMed 27959697 (cited by Women's Health and Genetics/Laboratory Corporation of America, LabCorp); PubMed 31211626 (cited by Women's Health and Genetics/Laboratory Corporation of America, LabCorp); PubMed 25326635 (cited by Baylor Genetics); PubMed 9399842 (cited by Laboratory for Molecular Medicine, Mass General Brigham Personalized Medicine); PubMed 8723076 (cited by OMIM).